The following is an entry in ClinVar:

ClinVar aggregate classification (germline): Conflicting classifications of pathogenicity. Review status: criteria provided, conflicting classifications (1 of 4 stars). 6 submissions from 6 submitters: Uncertain significance (2); Likely benign (3). 1 of the submissions does not count toward it. Last evaluated 2026-01-19.

Conditions:
Developmental and epileptic encephalopathy, 51 (DEE51). Also called: Epileptic encephalopathy, early infantile, 51. Identifiers: MedGen C4479208, MONDO:0015025, OMIM 617339.
MDH2-related disorder. Also called: MDH2-related condition.
Inborn genetic diseases. Identifiers: MedGen C0950123, MeSH D030342.

Allele frequency attached by ClinVar (database versions not stated): ExAC 0.00026; ESP Exome Variant Server 0.00077.
gnomAD v4.1: 192 of 1,613,416 alleles (0.012%); highest among the groups gnomAD compares: African/African-American, 0.24%; no homozygotes.

Submissions (6):

Labcorp Genetics (formerly Invitae), Labcorp
Classification: Likely benign. Last evaluated: 2026-01-19. Review status: criteria provided, single submitter. Criteria: Invitae Variant Classification Sherloc (09022015). Collection method: clinical testing. Allele origin: germline.

Dasa
Classification: Likely benign. Last evaluated: 2025-11-19. Review status: criteria provided, single submitter. Criteria: DASA Assertion Criteria. Collection method: clinical testing. Allele origin: germline.
Comment: NM_005918.4(MDH2):c.685C>G (p.Arg229Gly) is a missense variant that results in the substitution of arginine with glycine. Multiple computational predictions support a deleterious effect on the gene or gene product. The variant is present at low frequency in population datasets. Based on the available data, this variant is classified as likely benign.

ARUP Laboratories, Molecular Genetics and Genomics, ARUP Laboratories
Classification: Uncertain significance for Developmental and epileptic encephalopathy, 51. Last evaluated: 2024-06-28. Review status: criteria provided, single submitter. Criteria: ARUP Molecular Germline Variant Investigation Process 2024. Collection method: clinical testing. Allele origin: germline.

Blueprint Genetics
Classification: Uncertain significance. Last evaluated: 2023-05-09. Review status: criteria provided, single submitter. Criteria: ACMG Guidelines, 2015. Collection method: clinical testing. Allele origin: germline.

Ambry Genetics
Classification: Likely benign for Inborn genetic diseases. Last evaluated: 2022-09-13. Review status: criteria provided, single submitter. Criteria: Ambry Variant Classification Scheme 2023. Collection method: clinical testing. Allele origin: germline.

PreventionGenetics, part of Exact Sciences
Classification: Likely benign for MDH2-related condition. Last evaluated: 2022-09-07. Review status: no assertion criteria provided. Collection method: clinical testing. Allele origin: germline. Not counted in ClinVar's aggregate classification.
Comment: This variant is classified as likely benign based on ACMG/AMP sequence variant interpretation guidelines (Richards et al. 2015 PMID: 25741868, with internal and published modifications).

NM_005918.4(MDH2):c.685C>G (p.Arg229Gly)

Gene: MDH2 (malate dehydrogenase 2; plus strand). Cytogenetic location: 7q11.23.
Variant type: single nucleotide variant.
Coding change: c.685C>G on transcript NM_005918.4 (MANE Select); coding-DNA position 685, C replaced by G.
Protein change: p.Arg229Gly; replaces arginine 229 with glycine.
Molecular consequence: missense variant.
Genome position (GRCh38, 1-based): chr7:76,064,390, C>G. VCF-style: chr7-76064390-C-G. GRCh37 (hg19) VCF-style: chr7-75693708-C-G.
Other names: c.559C>G, p.Arg187Gly (NM_001282403.2); c.364C>G, p.Arg122Gly (NM_001282404.2); c.685C>G (NM_005918.3); short protein forms R122G, R187G, R229G.
Identifiers: ClinVar variation 1542405 (VCV001542405.15), dbSNP rs139870141, ClinGen allele CA4305653.